The following is an entry in ClinVar:

NM_001370466.1(NOD2):c.*877C>A

Genes: CYLD-AS1 (CYLD antisense RNA 1; minus strand), NOD2 (nucleotide binding oligomerization domain containing 2; plus strand). Cytogenetic location: 16q12.1.
Variant type: single nucleotide variant.
Coding change: c.*877C>A on transcript NM_001370466.1 (MANE Select); 877 bases downstream of the stop codon, C replaced by A.
Molecular consequence: 3 prime UTR variant. On other transcripts: non-coding transcript variant (1).
Genome position (GRCh38, 1-based): chr16:50,732,696, C>A. VCF-style: chr16-50732696-C-A. GRCh37 (hg19) VCF-style: chr16-50766607-C-A.
Other names: c.*877C>A (LRG_177t1, NM_001293557.2, NM_022162.3).
Identifiers: ClinVar variation 319489 (VCV000319489.7), dbSNP rs140643942, ClinGen allele CA10648479.

ClinVar aggregate classification (germline): Benign/Likely benign. Review status: criteria provided, single submitter (1 of 4 stars). 2 submissions from 1 submitter: Benign (1); Likely benign (1). Last evaluated 2018-01-12.

Conditions:
Inflammatory bowel disease 1 (IBD1). Also called: Inflammatory bowel disease 1, Crohn disease; INFLAMMATORY BOWEL DISEASE (CROHN DISEASE) 1. Identifiers: MedGen CN260071, MONDO:0009960, OMIM 266600.
Blau syndrome (BLAUS). Also called: ARTHROCUTANEOUVEAL GRANULOMATOSIS; GRANULOMATOSIS, FAMILIAL JUVENILE SYSTEMIC; GRANULOMATOSIS, FAMILIAL, BLAU TYPE; GRANULOMATOUS INFLAMMATORY ARTHRITIS, DERMATITIS, AND UVEITIS, FAMILIAL; JABS SYNDROME. Identifiers: Orphanet 90340, MedGen C5201146, MONDO:0008523, OMIM 186580.

Allele frequency attached by ClinVar (database versions not stated): gnomAD 0.00031 and 0.00041; TOPMed 0.00066; 1000 Genomes Project 0.00180; 1000 Genomes Project 30x 0.00219.

Submissions (2):

Illumina Laboratory Services, Illumina
Classification: Likely benign for Inflammatory bowel disease 1. Last evaluated: 2018-01-12. Review status: criteria provided, single submitter. Criteria: ICSL Variant Classification Criteria 13 December 2019. Collection method: clinical testing. Allele origin: germline.
Comment: This variant was observed in the ICSL laboratory as part of a predisposition screen in an ostensibly healthy population. It had not been previously curated by ICSL or reported in the Human Gene Mutation Database (HGMD: prior to June 1st, 2018), and was therefore a candidate for classification through an automated scoring system. Utilizing variant allele frequency, disease prevalence and penetrance estimates, and inheritance mode, an automated score was calculated to assess if this variant is too frequent to cause the disease. Based on the score and internal cut-off values, a variant classified as likely benign is not then subjected to further curation. The score for this variant resulted in a classification of likely benign for this disease.

Illumina Laboratory Services, Illumina
Classification: Benign for Blau syndrome. Last evaluated: 2018-01-12. Review status: criteria provided, single submitter. Criteria: ICSL Variant Classification Criteria 13 December 2019. Collection method: clinical testing. Allele origin: germline.
Comment: This variant was observed in the ICSL laboratory as part of a predisposition screen in an ostensibly healthy population. It had not been previously curated by ICSL or reported in the Human Gene Mutation Database (HGMD: prior to June 1st, 2018), and was therefore a candidate for classification through an automated scoring system. Utilizing variant allele frequency, disease prevalence and penetrance estimates, and inheritance mode, an automated score was calculated to assess if this variant is too frequent to cause the disease. Based on the score and internal cut-off values, a variant classified as benign is not then subjected to further curation. The score for this variant resulted in a classification of benign for this disease.